The following is an entry in ClinVar:

NC_000003.12:g.(?_197950958)_(197955783_?)dup

Genes: DRC9 (dynein regulatory complex subunit 9; minus strand), RPL35A (ribosomal protein L35a; plus strand). Cytogenetic location: 3q29.
Variant type: Duplication.
Identifiers: ClinVar variation 830433 (VCV000830433.1).

ClinVar aggregate classification (germline): Uncertain significance (1 of 4 stars; one submission).

Conditions:
Diamond-Blackfan anemia 5 (DBA5). Also called: RPL35A-Related Diamond-Blackfan Anemia. Identifiers: Orphanet 124, MedGen C2675859, MONDO:0012925, OMIM 612528.

Submission:

Labcorp Genetics (formerly Invitae), Labcorp
Classification: Uncertain significance for Diamond-Blackfan anemia 5. Last evaluated: 2019-05-23. Review status: criteria provided, single submitter. Criteria: Invitae Variant Classification Sherloc (09022015). Collection method: clinical testing. Allele origin: germline.
Comment: This variant results in a copy number gain of the genomic region encompassing the full coding sequence of the RPL35A gene. The boundaries of this event are unknown as they extend beyond the assayed region for this gene and therefore may encompass additional genes. As the precise location of this event is unknown, it may be in tandem or it may be located elsewhere in the genome. This variant has not been reported in the literature in individuals with RPL35A-related conditions. In summary, the available evidence is currently insufficient to determine the role of this variant in disease. Therefore, it has been classified as a Variant of Uncertain Significance.